The following is an entry in ClinVar:

NM_022455.5(NSD1):c.3035G>C (p.Arg1012Pro)

Gene: NSD1 (nuclear receptor binding SET domain protein 1; plus strand). Cytogenetic location: 5q35.3.
Variant type: single nucleotide variant.
Coding change: c.3035G>C on transcript NM_022455.5 (MANE Select); coding-DNA position 3035, G replaced by C.
Protein change: p.Arg1012Pro; replaces arginine 1012 with proline.
Molecular consequence: missense variant.
Genome position (GRCh38, 1-based): chr5:177,211,434, G>C. VCF-style: chr5-177211434-G-C. GRCh37 (hg19) VCF-style: chr5-176638435-G-C.
Other names: c.2162G>C, p.Arg721Pro (NM_001365684.2, NM_001409306.1, NM_001409307.1 and 3 more transcripts); c.3035G>C, p.Arg1012Pro (NM_001409301.1, NM_001409302.1, NM_001409303.1); c.2615G>C, p.Arg872Pro (NM_001409304.1); c.2282G>C, p.Arg761Pro (NM_001409305.1); short protein forms R1012P, R721P, R761P, R872P.
Identifiers: ClinVar variation 3352421 (VCV003352421.1).

ClinVar aggregate classification (germline): Uncertain significance (0 of 4 stars; one submission).

Conditions:
NSD1-related disorder. Also called: NSD1-related condition.

Submission:

PreventionGenetics, part of Exact Sciences
Classification: Uncertain significance for NSD1-related condition. Last evaluated: 2024-07-11. Review status: no assertion criteria provided. Collection method: clinical testing. Allele origin: germline.
Comment: The NSD1 c.3035G>C variant is predicted to result in the amino acid substitution p.Arg1012Pro. To our knowledge, this variant has not been reported in the literature or in a large population database, indicating this variant is rare. At this time, the clinical significance of this variant is uncertain due to the absence of conclusive functional and genetic evidence.